The following is an entry in ClinVar:

NC_000016.10:g.(?_68821995)_(68823632_?)del

Gene: CDH1 (cadherin 1; plus strand). Cytogenetic location: 16q22.1.
Variant type: Deletion.
Identifiers: ClinVar variation 463691 (VCV000463691.1).

ClinVar aggregate classification (germline): Likely pathogenic (1 of 4 stars; one submission).

Conditions:
Hereditary diffuse gastric adenocarcinoma (HDGC). Also called: DIFFUSE GASTRIC AND LOBULAR BREAST CANCER SYNDROME. Identifiers: Orphanet 26106, MedGen C1708349, MONDO:0007648, OMIM 137215.

Submission:

Labcorp Genetics (formerly Invitae), Labcorp
Classification: Likely pathogenic for Hereditary diffuse gastric adenocarcinoma. Last evaluated: 2017-08-07. Review status: criteria provided, single submitter. Criteria: Invitae Variant Classification Sherloc (09022015). Collection method: clinical testing. Allele origin: germline.
Comment: This variant is an in-frame deletion of the genomic region encompassing exons 12-13 of the CDH1 gene. It preserves the integrity of the reading frame. This variant has not been reported in the literature in individuals with CDH1-related disease. This deletion removes 152 amino acid residues of the CDH1 protein (E-cadherin), including a portion of the extracellular domain and most of the transmembrane domain (PMID: 22850631). Although functional studies have not been done for this particular variant, loss of these residues will likely impair CDH1 function (PMID: 22850631, 19268662, 25388006). Also, a missense substitution in this region (p.Ala634Val) has been determined to be likely pathogenic and has been reported in multiple individuals affected with diffuse gastric cancer (PMID: 12588804, 15288293, 15735979, 17545690, 17221870, 24493355, Invitae). In summary, the currently available evidence indicates that the variant is pathogenic, but additional data are needed to prove that conclusively. Therefore, this variant has been classified as Likely Pathogenic.